The following is an entry in ClinVar:

ClinVar aggregate classification (germline): Conflicting classifications of pathogenicity. Review status: criteria provided, conflicting classifications (1 of 4 stars). 3 submissions from 3 submitters: Uncertain significance (1); Likely benign (2). Last evaluated 2025-08-30.

Conditions:
PCNT-related disorder. Also called: PCNT-related condition.

Allele frequency attached by ClinVar (database versions not stated): gnomAD 0.00001; TOPMed 0.00001.
gnomAD v4.1: 10 of 1,613,154 alleles (0.00062%); highest among the groups gnomAD compares: African/African-American, 0.004%; no homozygotes.

Submissions (3):

PreventionGenetics, part of Exact Sciences
Classification: Likely benign for PCNT-related condition. Last evaluated: 2025-08-30. Review status: criteria provided, single submitter. Criteria: ACMG Guidelines, 2015. Collection method: clinical testing. Allele origin: germline.
Comment: This variant is classified as likely benign based on ACMG/AMP sequence variant interpretation guidelines (Richards et al. 2015 PMID: 25741868, with internal and published modifications).

Labcorp Genetics (formerly Invitae), Labcorp
Classification: Likely benign. Last evaluated: 2023-08-02. Review status: criteria provided, single submitter. Criteria: Invitae Variant Classification Sherloc (09022015). Collection method: clinical testing. Allele origin: germline.

Genetic Services Laboratory, University of Chicago
Classification: Uncertain significance. Last evaluated: 2019-07-03. Review status: criteria provided, single submitter. Criteria: ACMG Guidelines, 2015. Collection method: clinical testing. Allele origin: germline. Affected: no.

NM_006031.6(PCNT):c.9090C>T (p.Thr3030=)

Gene: PCNT (pericentrin; plus strand). Cytogenetic location: 21q22.3.
Variant type: single nucleotide variant.
Coding change: c.9090C>T on transcript NM_006031.6 (MANE Select); coding-DNA position 9090, C replaced by T.
Protein change: p.Thr3030=; no amino-acid change (threonine 3030 retained).
Molecular consequence: synonymous variant.
Genome position (GRCh38, 1-based): chr21:46,437,072, C>T. VCF-style: chr21-46437072-C-T. GRCh37 (hg19) VCF-style: chr21-47856985-C-T.
Other names: c.8499C>T, p.Thr2833= (NM_001315529.2).
Identifiers: ClinVar variation 1337257 (VCV001337257.12), dbSNP rs942925965, ClinGen allele CA322025006.